The following is an entry in ClinVar:

ClinVar aggregate classification (germline): Uncertain significance (1 of 4 stars; one submission).

Submission:

GeneDx
Classification: Uncertain significance. Last evaluated: 2026-01-06. Review status: criteria provided, single submitter. Criteria: GeneDx Variant Classification Process June 2021. Collection method: clinical testing. Allele origin: germline.
Comment: Not observed at significant frequency in large population cohorts (gnomAD); In silico analysis suggests that this missense variant does not alter protein structure/function; Has not been previously published as pathogenic or benign to our knowledge

NM_025144.4(ALPK1):c.2833G>C (p.Asp945His)

Gene: ALPK1 (alpha kinase 1; plus strand). Cytogenetic location: 4q25.
Variant type: single nucleotide variant.
Coding change: c.2833G>C on transcript NM_025144.4 (MANE Select); coding-DNA position 2833, G replaced by C.
Protein change: p.Asp945His; replaces aspartic acid 945 with histidine.
Molecular consequence: missense variant.
Genome position (GRCh38, 1-based): chr4:112,432,380, G>C. VCF-style: chr4-112432380-G-C. GRCh37 (hg19) VCF-style: chr4-113353536-G-C.
Other names: c.2833G>C, p.Asp945His (NM_001102406.2); c.2599G>C, p.Asp867His (NM_001253884.2); short protein forms D867H, D945H.
Identifiers: ClinVar variation 2662580 (VCV002662580.2), dbSNP rs2476507354, ClinGen allele CA357902255.